The following is an entry in ClinVar:

ClinVar aggregate classification (germline): Benign. Review status: criteria provided, multiple submitters, no conflicts (2 of 4 stars). 10 submissions from 10 submitters: Benign (9). 1 of the submissions does not count toward it. Last evaluated 2026-02-04.

Conditions:
Usher syndrome type 2C. Also called: Usher syndrome, type 2B; USHER SYNDROME, TYPE IIC. Identifiers: Orphanet 231178, Orphanet 886, MedGen C2931213, MONDO:0011558, OMIM 605472.
Febrile seizures, familial, 4 (FEB4). Also called: CONVULSIONS, FAMILIAL FEBRILE, 4. Identifiers: MedGen C1858493, MONDO:0011443, OMIM 604352.

Allele frequency attached by ClinVar (database versions not stated): ESP Exome Variant Server 0.29030; gnomAD 0.31193 and 0.31484; TOPMed 0.31851; 1000 Genomes Project 30x 0.32011; 1000 Genomes Project 0.32208; gnomAD exomes 0.34590 and 0.35965; ExAC 0.35745.
gnomAD v4.1: 550,478 of 1,606,424 alleles (34%); highest among the groups gnomAD compares: Admixed American, 54%; 97,325 homozygotes.

Submissions (10):

Labcorp Genetics (formerly Invitae), Labcorp
Classification: Benign. Last evaluated: 2026-02-04. Review status: criteria provided, single submitter. Criteria: Invitae Variant Classification Sherloc (09022015). Collection method: clinical testing. Allele origin: germline.

Blueprint Genetics
Classification: Benign. Last evaluated: 2024-11-27. Review status: criteria provided, single submitter. Criteria: ACMG Guidelines, 2015. Collection method: clinical testing. Allele origin: germline.

Fulgent Genetics
Classification: Benign for Febrile seizures, familial, 4; Usher syndrome type 2C. Last evaluated: 2021-08-11. Review status: criteria provided, single submitter. Criteria: ACMG Guidelines, 2015. Collection method: clinical testing. Allele origin: unknown.

Mayo Clinic Laboratories, Mayo Clinic
Classification: Benign. Last evaluated: 2020-10-02. Review status: criteria provided, single submitter. Criteria: ACMG Guidelines, 2015. Collection method: clinical testing. Allele origin: germline. Observed: 98 variant alleles.

Illumina Laboratory Services, Illumina
Classification: Benign for Usher syndrome type 2C. Last evaluated: 2018-01-12. Review status: criteria provided, single submitter. Criteria: ICSL Variant Classification Criteria 13 December 2019. Collection method: clinical testing. Allele origin: germline.
Comment: This variant was observed in the ICSL laboratory as part of a predisposition screen in an ostensibly healthy population. It had not been previously curated by ICSL or reported in the Human Gene Mutation Database (HGMD: prior to June 1st, 2018), and was therefore a candidate for classification through an automated scoring system. Utilizing variant allele frequency, disease prevalence and penetrance estimates, and inheritance mode, an automated score was calculated to assess if this variant is too frequent to cause the disease. Based on the score and internal cut-off values, a variant classified as benign is not then subjected to further curation. The score for this variant resulted in a classification of benign for this disease.

Athena Diagnostics
Classification: Benign. Last evaluated: 2017-04-20. Review status: criteria provided, single submitter. Criteria: Athena Diagnostics Criteria. Collection method: clinical testing. Allele origin: germline.

GeneDx
Classification: Benign. Last evaluated: 2015-03-03. Review status: criteria provided, single submitter. Criteria: GeneDx Variant Classification Process June 2021. Collection method: clinical testing. Allele origin: germline. Affected: yes.

Laboratory for Molecular Medicine, Mass General Brigham Personalized Medicine
Classification: Benign. Last evaluated: 2009-06-26. Review status: criteria provided, single submitter. Criteria: LMM Criteria. Collection method: clinical testing. Allele origin: germline. Observed: 1,180 variant alleles.

PreventionGenetics, part of Exact Sciences
Classification: Benign. Review status: criteria provided, single submitter. Criteria: ACMG Guidelines, 2015. Collection method: clinical testing. Allele origin: germline.

Genetic Services Laboratory, University of Chicago
Classification: Likely benign. Review status: no assertion criteria provided. Collection method: clinical testing. Allele origin: germline. Inheritance: Autosomal dominant inheritance. Not counted in ClinVar's aggregate classification.
Comment: Likely benign based on allele frequency in 1000 Genomes Project or ESP global frequency and its presence in a patient with a rare or unrelated disease phenotype. NOT Sanger confirmed

NM_032119.4(ADGRV1):c.7206G>A (p.Glu2402=)

Gene: ADGRV1 (adhesion G protein-coupled receptor V1; plus strand). Cytogenetic location: 5q14.3.
Variant type: single nucleotide variant.
Coding change: c.7206G>A on transcript NM_032119.4 (MANE Select); coding-DNA position 7206, G replaced by A.
Protein change: p.Glu2402=; no amino-acid change (glutamic acid 2402 retained).
Molecular consequence: synonymous variant. On other transcripts: non-coding transcript variant (1).
Genome position (GRCh38, 1-based): chr5:90,693,962, G>A. VCF-style: chr5-90693962-G-A. GRCh37 (hg19) VCF-style: chr5-89989779-G-A.
Other names: p.Glu2402=.
Identifiers: ClinVar variation 46365 (VCV000046365.25), dbSNP rs16876822, ClinGen allele CA138200.